The following is an entry in ClinVar:

ClinVar aggregate classification (germline): Conflicting classifications of pathogenicity. Review status: criteria provided, conflicting classifications (1 of 4 stars). 3 submissions from 3 submitters: Likely pathogenic (1); Uncertain significance (2). Last evaluated 2023-08-15.

Conditions:
Hereditary nonpolyposis colorectal neoplasms. Identifiers: MedGen C0009405, MeSH D003123.
Hereditary cancer-predisposing syndrome. Also called: Tumor predisposition; Neoplastic Syndromes, Hereditary; Hereditary neoplastic syndrome; Hereditary Cancer Syndrome. Identifiers: Orphanet 140162, MedGen C0027672, MeSH D009386, MONDO:0015356.
Lynch syndrome 5 (LYNCH5). Also called: Hereditary non-polyposis colorectal cancer, type 5; Colorectal cancer, hereditary nonpolyposis, type 5. Identifiers: Orphanet 144, MedGen C1833477, MONDO:0013710, OMIM 614350. Disease mechanism: loss of function.

Submissions (3):

Myriad Genetics, Inc.
Classification: Likely pathogenic for Lynch syndrome 5. Last evaluated: 2023-08-15. Review status: criteria provided, single submitter. Criteria: Myriad Autosomal Dominant, Autosomal Recessive and X-Linked Classification Criteria (2023). Collection method: clinical testing. Allele origin: unknown.
Comment: This variant is considered likely pathogenic. Functional studies indicate this variant impacts protein function [PMID: 31965077]. This variant is expected to disrupt protein structure [Myriad internal data].

Ambry Genetics
Classification: Uncertain significance for Hereditary cancer-predisposing syndrome. Last evaluated: 2022-03-28. Review status: criteria provided, single submitter. Criteria: Ambry Variant Classification Scheme 2023. Collection method: clinical testing. Allele origin: germline.
Comment: The p.G557D variant (also known as c.1670G>A), located in coding exon 4 of the MSH6 gene, results from a G to A substitution at nucleotide position 1670. The glycine at codon 557 is replaced by aspartic acid, an amino acid with similar properties. This amino acid position is highly conserved in available vertebrate species. In addition, this alteration is predicted to be deleterious by in silico analysis. Since supporting evidence is limited at this time, the clinical significance of this alteration remains unclear.

Labcorp Genetics (formerly Invitae), Labcorp
Classification: Uncertain significance for Hereditary nonpolyposis colorectal neoplasms. Last evaluated: 2020-10-22. Review status: criteria provided, single submitter. Criteria: Invitae Variant Classification Sherloc (09022015). Collection method: clinical testing. Allele origin: germline.
Comment: In summary, the available evidence is currently insufficient to determine the role of this variant in disease. Therefore, it has been classified as a Variant of Uncertain Significance. Algorithms developed to predict the effect of missense changes on protein structure and function (SIFT, PolyPhen-2, Align-GVGD) all suggest that this variant is likely to be disruptive, but these predictions have not been confirmed by published functional studies and their clinical significance is uncertain. This variant has not been reported in the literature in individuals with MSH6-related conditions. This variant is not present in population databases (ExAC no frequency). This sequence change replaces glycine with aspartic acid at codon 557 of the MSH6 protein (p.Gly557Asp). The glycine residue is highly conserved and there is a moderate physicochemical difference between glycine and aspartic acid.

Literature cited by the submitters: PubMed 31965077 (cited by Myriad Genetics, Inc.).

NM_000179.3(MSH6):c.1670G>A (p.Gly557Asp)

Gene: MSH6 (mutS homolog 6; plus strand). Cytogenetic location: 2p16.3.
Variant type: single nucleotide variant.
Coding change: c.1670G>A on transcript NM_000179.3 (MANE Select); coding-DNA position 1670, G replaced by A.
Protein change: p.Gly557Asp; replaces glycine 557 with aspartic acid.
Molecular consequence: missense variant.
Genome position (GRCh38, 1-based): chr2:47,799,653, G>A. VCF-style: chr2-47799653-G-A. GRCh37 (hg19) VCF-style: chr2-48026792-G-A.
Other names: c.1280G>A, p.Gly427Asp (NM_001281492.2); c.764G>A, p.Gly255Asp (NM_001281493.2, NM_001281494.2); short protein forms G255D, G427D, G557D.
Identifiers: ClinVar variation 1017598 (VCV001017598.12), dbSNP rs1553413050, ClinGen allele CA346747395.